The following is an entry in ClinVar:

ClinVar aggregate classification (germline): Uncertain significance. Review status: criteria provided, multiple submitters, no conflicts (2 of 4 stars). 3 submissions from 3 submitters: Uncertain significance (3). Last evaluated 2025-07-12.

Conditions:
Cardiovascular phenotype. Identifiers: MedGen CN230736.
Cutis laxa, autosomal recessive, type 1B (ARCL1B). Also called: EFEMP2-Related Cutis Laxa; CUTIS LAXA, AUTOSOMAL RECESSIVE, TYPE IB. Identifiers: Orphanet 90349, MedGen C3280798, MONDO:0013754, OMIM 614437. Disease mechanism: loss of function.

Allele frequency attached by ClinVar (database versions not stated): gnomAD exomes 0.00001; gnomAD 0.00003 and 0.00004; TOPMed 0.00004.
gnomAD v4.1: 32 of 1,614,080 alleles (0.002%); highest among the groups gnomAD compares: Admixed American, 0.0033%; no homozygotes.

Submissions (3):

Ambry Genetics
Classification: Uncertain significance for Cardiovascular phenotype. Last evaluated: 2025-07-12. Review status: criteria provided, single submitter. Criteria: Ambry Variant Classification Scheme 2023. Collection method: clinical testing. Allele origin: germline.
Comment: The p.R427W variant (also known as c.1279C>T), located in coding exon 10 of the EFEMP2 gene, results from a C to T substitution at nucleotide position 1279. The arginine at codon 427 is replaced by tryptophan, an amino acid with dissimilar properties. This amino acid position is not well conserved in available vertebrate species. In addition, this alteration is predicted to be deleterious by in silico analysis. Since supporting evidence is limited at this time, the clinical significance of this alteration remains unclear.

Blueprint Genetics
Classification: Uncertain significance. Last evaluated: 2023-06-07. Review status: criteria provided, single submitter. Criteria: ACMG Guidelines, 2015. Collection method: clinical testing. Allele origin: germline.

Labcorp Genetics (formerly Invitae), Labcorp
Classification: Uncertain significance for Cutis laxa, autosomal recessive, type 1B. Last evaluated: 2021-09-01. Review status: criteria provided, single submitter. Criteria: Invitae Variant Classification Sherloc (09022015). Collection method: clinical testing. Allele origin: germline.
Comment: This sequence change replaces arginine with tryptophan at codon 427 of the EFEMP2 protein (p.Arg427Trp). The arginine residue is highly conserved and there is a moderate physicochemical difference between arginine and tryptophan. This variant is not present in population databases (ExAC no frequency). This variant has not been reported in the literature in individuals affected with EFEMP2-related conditions. Algorithms developed to predict the effect of missense changes on protein structure and function (SIFT, PolyPhen-2, Align-GVGD) all suggest that this variant is likely to be disruptive. In summary, the available evidence is currently insufficient to determine the role of this variant in disease. Therefore, it has been classified as a Variant of Uncertain Significance.

NM_016938.5(EFEMP2):c.1279C>T (p.Arg427Trp)

Genes: EFEMP2 (EGF-like fibulin extracellular matrix protein 2; minus strand), MUS81 (MUS81 structure-specific endonuclease subunit; plus strand). Cytogenetic location: 11q13.1.
Variant type: single nucleotide variant.
Coding change: c.1279C>T on transcript NM_016938.5 (MANE Select); coding-DNA position 1279, C replaced by T.
Protein change: p.Arg427Trp; replaces arginine 427 with tryptophan.
Molecular consequence: missense variant. On other transcripts: non-coding transcript variant (1).
Genome position (GRCh38, 1-based): chr11:65,866,971, G>A on the plus strand (C>T on the coding strand, the complement: EFEMP2 is on the minus strand). VCF-style: chr11-65866971-G-A. GRCh37 (hg19) VCF-style: chr11-65634442-G-A.
Other names: short protein forms R427W.
Identifiers: ClinVar variation 949746 (VCV000949746.10), dbSNP rs1056545955, ClinGen allele CA224016576.